The following is an entry in ClinVar:

NM_000548.5(TSC2):c.4989+20_4989+23del

Gene: TSC2 (TSC complex subunit 2; plus strand). Cytogenetic location: 16p13.3.
Variant type: Deletion.
Coding change: c.4989+20_4989+23del on transcript NM_000548.5 (MANE Select); bases 20 to 23 of the intron after coding-DNA position 4989, 4 bases deleted (TGAG; older notation c.4989+20_4989+23delTGAG).
Molecular consequence: intron variant.
Genome position (GRCh38, 1-based): chr16:2,086,891-2,086,894, TGAG deleted; deleting any 4 consecutive bases within chr16:2,086,889-2,086,894 gives the same sequence; the c. name uses the placement nearest the transcript's 3' end. VCF-style (leftmost placement, unchanged base first): chr16-2086888-CAGTG-C. GRCh37 (hg19) VCF-style: chr16-2136889-CAGTG-C.
Other names: c.4920+20_4920+23del (NM_001114382.3); c.4860+20_4860+23del (NM_021055.3, NM_001370405.1); c.4791+20_4791+23del (NM_001363528.2); c.4857+20_4857+23del (NM_001370404.1); c.4788+20_4788+23del (NM_001077183.3); c.4680+20_4680+23del (NM_001318827.2); c.4257+20_4257+23del (NM_001318831.2); c.4644+20_4644+23del (NM_001318829.2); and 2 more.
Identifiers: ClinVar variation 1546891 (VCV001546891.10), dbSNP rs755266040, ClinGen allele CA053205.

ClinVar aggregate classification (germline): Likely benign. Review status: criteria provided, multiple submitters, no conflicts (2 of 4 stars). 3 submissions from 3 submitters: Likely benign (3). Last evaluated 2026-02-17.

Conditions:
Tuberous sclerosis 2 (TSC2). Identifiers: Orphanet 805, MedGen C1860707, MONDO:0013199, OMIM 613254.

Submissions (3):

Women's Health and Genetics/Laboratory Corporation of America, LabCorp
Classification: Likely benign. Last evaluated: 2026-02-17. Review status: criteria provided, single submitter. Criteria: LabCorp Variant Classification Summary - May 2015. Collection method: clinical testing. Allele origin: germline.
Comment: Variant summary: TSC2 c.4989+20_4989+23delTGAG alters a nucleotide located at a position not widely known to affect splicing. Consensus agreement among computation tools predict no significant impact on normal splicing. However, these predictions have yet to be confirmed by functional studies. The variant allele was found at a frequency of 1.7e-05 in 177708 control chromosomes. The available data on variant occurrences in the general population are insufficient to allow any conclusion about variant significance. To our knowledge, no occurrence of c.4989+20_4989+23delTGAG in individuals affected with TSC2-related conditions and no experimental evidence demonstrating its impact on protein function have been reported. ClinVar contains an entry for this variant (Variation ID: 1546891). Based on the evidence outlined above, the variant was classified as likely benign.

Labcorp Genetics (formerly Invitae), Labcorp
Classification: Likely benign for Tuberous sclerosis 2. Last evaluated: 2026-01-27. Review status: criteria provided, single submitter. Criteria: Invitae Variant Classification Sherloc (09022015). Collection method: clinical testing. Allele origin: germline.

Blueprint Genetics
Classification: Likely benign. Last evaluated: 2023-05-08. Review status: criteria provided, single submitter. Criteria: ACMG Guidelines, 2015. Collection method: clinical testing. Allele origin: germline.